The following is an entry in ClinVar:

NM_001277269.2(OTOG):c.7517-5_7518dup

Gene: OTOG (otogelin; plus strand). Cytogenetic location: 11p15.1.
Variant type: Duplication.
Coding change: c.7517-5_7518dup on transcript NM_001277269.2; 5 bases into the intron before coding-DNA position 7517 through coding-DNA position 7518, 7 bases duplicated (GCCAGTG; older notation c.7517-5_7518dupGCCAGTG).
Molecular consequence: splice acceptor variant (on NM_001277269.1).
Genome position (GRCh38, 1-based): chr11:17,634,839-17,634,845, GCCAGTG duplicated; duplicating any 7 consecutive bases within chr11:17,634,838-17,634,845 gives the same sequence; the c. name uses the placement nearest the transcript's 3' end. VCF-style (leftmost placement, unchanged base first): chr11-17634837-G-GGGCCAGT. GRCh37 (hg19) VCF-style: chr11-17656384-G-GGGCCAGT.
Other names: c.7481-5_7482dup (NM_001292063.2); c.7517-5_7518dup7 (NM_001277269.1); c.7518_7519insGCCAGTG (NM_001277269.1).
Identifiers: ClinVar variation 229104 (VCV000229104.58), dbSNP rs1295062471, ClinGen allele CA5906138.

ClinVar aggregate classification (germline): Conflicting classifications of pathogenicity. Review status: criteria provided, conflicting classifications (1 of 4 stars). 10 submissions from 10 submitters: Pathogenic (1); Likely pathogenic (2); Uncertain significance (6); Likely benign (1). Last evaluated 2026-03-02.

Conditions:
OTOG-related disorder. Also called: OTOG-related condition.
Autosomal recessive nonsyndromic hearing loss 18B. Also called: Deafness, autosomal recessive 18b. Identifiers: Orphanet 90636, MedGen C3554163, MONDO:0013985, OMIM 614945.

Submissions (10):

PreventionGenetics, part of Exact Sciences
Classification: Uncertain significance for OTOG-related condition. Last evaluated: 2026-03-02. Review status: criteria provided, single submitter. Criteria: ACMG Guidelines, 2015. Collection method: clinical testing. Allele origin: germline.
Comment: The OTOG c.7517-5_7518dup7 variant is predicted to result in a frameshift and premature protein termination (p.Cys2507Alafs*4). However, this variant duplicates the canonical splice acceptor site and the degree to which this variant may alter canonical splicing has not been determined with functional assays. This variant was reported along with a second OTOG variant in two patients with non-syndromic hearing loss (Table S1, Safka Brozkova et al 2020. PubMed ID: 32860223; Supplemental Table, Florentine et al. 2022. PubMed ID: 34515852). This variant is reported in 0.086% of alleles in individuals of European (Non-Finnish) descent in gnomAD. While we suspect this variant may be pathogenic, at this time, the clinical significance of this variant is uncertain due to the absence of conclusive functional and genetic evidence.

Labcorp Genetics (formerly Invitae), Labcorp
Classification: Likely benign. Last evaluated: 2025-12-19. Review status: criteria provided, single submitter. Criteria: Invitae Variant Classification Sherloc (09022015). Collection method: clinical testing. Allele origin: germline.

Revvity Omics, Revvity
Classification: Likely pathogenic for Autosomal recessive nonsyndromic hearing loss 18B. Last evaluated: 2025-07-17. Review status: criteria provided, single submitter. Criteria: ACMG Guidelines, 2015. Collection method: clinical testing. Allele origin: germline.

GeneDx
Classification: Uncertain significance. Last evaluated: 2025-06-11. Review status: criteria provided, single submitter. Criteria: GeneDx Variant Classification Process June 2021. Collection method: clinical testing. Allele origin: germline. Affected: yes.
Comment: Identified with a second OTOG variant, phase unknown, in a patient with moderate sporadic hearing loss in the published literature (PMID: 32860223); In silico analysis is inconclusive as to whether the variant alters gene splicing. In the absence of RNA/functional studies, the actual effect of this sequence change is unknown.; This variant is associated with the following publications: (PMID: 32860223, 34515852)

Department of Human Genetics, Hannover Medical School
Classification: Pathogenic for Autosomal recessive nonsyndromic hearing loss 18B. Last evaluated: 2024-12-10. Review status: criteria provided, single submitter. Criteria: ACMG Guidelines, 2015. Collection method: clinical testing. Allele origin: germline. Affected: yes.

Blueprint Genetics
Classification: Uncertain significance. Last evaluated: 2024-04-23. Review status: criteria provided, single submitter. Criteria: ACMG Guidelines, 2015. Collection method: clinical testing. Allele origin: germline.

CeGaT Center for Human Genetics Tuebingen
Classification: Uncertain significance. Last evaluated: 2021-10-01. Review status: criteria provided, single submitter. Criteria: CeGaT Center For Human Genetics Tuebingen Variant Classification Criteria Version 2. Collection method: clinical testing. Allele origin: germline. Affected: yes. Observed: 1 variant allele.

King Laboratory, University of Washington
Classification: Likely pathogenic for Autosomal recessive nonsyndromic hearing loss 18B. Last evaluated: 2021-03-18. Review status: criteria provided, single submitter. Criteria: ACMG Guidelines, 2015. Collection method: research. Allele origin: germline. Inheritance: Autosomal recessive inheritance. Affected: yes.
Comment: OTOG c.7517-5_7518dup is predicted to introduce a cryptic splice acceptor within the sequence of the in-tandem duplication in OTOG intron 43. The cryptic splice acceptor in OTOG intron 43 occurs upstream of the OTOG exon 44 canonical splice and is predicted to result in inclusion of the mutant exon with the 7bp duplication leading to a premature stop. Consequence of this in-tandem duplication would be splicing of OTOG exon 44 occurring at the cryptic splice acceptor and resulting in a 7bp insertion in the OTOG message and premature stop at codon 2510 of 2926.

Eurofins Ntd Llc (ga)
Classification: Uncertain significance. Last evaluated: 2017-05-05. Review status: criteria provided, single submitter. Criteria: EGL Classification Definitions 2015. Collection method: clinical testing. Allele origin: germline. Observed: 2 variant alleles, 2 heterozygotes.
Comment: ClinVar's processing of SCV000700763.2 introduced an error in defining the allele. Until Janaury, 2019, the allele was processed as a duplication of 2 nucleotides instead of an insert of 7. The Variation ID was thus changed from 496939 to 229104.

Laboratory for Molecular Medicine, Mass General Brigham Personalized Medicine
Classification: Uncertain significance. Last evaluated: 2015-11-10. Review status: criteria provided, single submitter. Criteria: LMM Criteria. Collection method: clinical testing. Allele origin: germline. Observed: 2 variant alleles.
Comment: Data from large population studi es is insufficient to assess the frequency of this variant. This variant is a ta ndem duplication of 7 base pairs that encompass the 3' splice junction of intron 43 in the OTOG gene. However, it is not clear whether this will result in splic ing to occur at a novel 3' splice site downstream of the nascent splice site, wh ich would not impact the protein, or if splicing occurs at the nascent splice si te, which would result in a frameshift of the coding sequence and therefore, be deleterious to the protein. Computational tools predict that splicing would occu r at the novel 3' splice site and thus would not result in a frameshift of the c oding sequence; however, functional studies are needed to determine which of the se scenarios is correct. In summary, the clinical significance of the c.7517-5_7 518dup variant is uncertain.